The following is an entry in ClinVar:

ClinVar aggregate classification (germline): Conflicting classifications of pathogenicity. Review status: criteria provided, conflicting classifications (1 of 4 stars). 5 submissions from 5 submitters: Uncertain significance (2); Benign (1); Likely benign (1). 1 of the submissions does not count toward it. Last evaluated 2025-12-28.

Conditions:
MERTK-related disorder. Also called: MERTK-related condition.
Retinitis pigmentosa (RP). Identifiers: Orphanet 791, MedGen C0035334, MeSH D012174, MONDO:0019200, OMIM 268000. Inheritance: Autosomal dominant, autosomal recessive and X linked inheritance.

Allele frequency attached by ClinVar (database versions not stated): ExAC 0.00027; gnomAD exomes 0.00029; gnomAD 0.00101 and 0.00116; TOPMed 0.00125; ESP Exome Variant Server 0.00131.
gnomAD v4.1: 303 of 1,602,128 alleles (0.019%); highest among the groups gnomAD compares: African/African-American, 0.38%; 1 homozygote.

Submissions (5):

Labcorp Genetics (formerly Invitae), Labcorp
Classification: Benign. Last evaluated: 2025-12-28. Review status: criteria provided, single submitter. Criteria: Invitae Variant Classification Sherloc (09022015). Collection method: clinical testing. Allele origin: germline.

Blueprint Genetics
Classification: Likely benign. Last evaluated: 2024-07-18. Review status: criteria provided, single submitter. Criteria: ACMG Guidelines, 2015. Collection method: clinical testing. Allele origin: germline.

Illumina Laboratory Services, Illumina
Classification: Uncertain significance for Retinitis pigmentosa. Last evaluated: 2018-01-13. Review status: criteria provided, single submitter. Criteria: ICSL Variant Classification Criteria 13 December 2019. Collection method: clinical testing. Allele origin: germline.

Eurofins Ntd Llc (ga)
Classification: Uncertain significance. Last evaluated: 2017-01-26. Review status: criteria provided, single submitter. Criteria: EGL Classification Definitions 2015. Collection method: clinical testing. Allele origin: germline. Observed: 1 variant allele, 1 heterozygote.

PreventionGenetics, part of Exact Sciences
Classification: Likely benign for MERTK-related condition. Last evaluated: 2019-12-23. Review status: no assertion criteria provided. Collection method: clinical testing. Allele origin: germline. Not counted in ClinVar's aggregate classification.
Comment: This variant is classified as likely benign based on ACMG/AMP sequence variant interpretation guidelines (Richards et al. 2015 PMID: 25741868, with internal and published modifications).

NM_006343.3(MERTK):c.960+9C>A

Gene: MERTK (MER proto-oncogene, tyrosine kinase; plus strand). Cytogenetic location: 2q13.
Variant type: single nucleotide variant.
Coding change: c.960+9C>A on transcript NM_006343.3 (MANE Select); 9 bases into the intron after coding-DNA position 960, C replaced by A.
Molecular consequence: intron variant.
Genome position (GRCh38, 1-based): chr2:111,968,261, C>A. VCF-style: chr2-111968261-C-A. GRCh37 (hg19) VCF-style: chr2-112725838-C-A.
Identifiers: ClinVar variation 330750 (VCV000330750.23), dbSNP rs373198570, ClinGen allele CA1831231.
Genomic context (GRCh38, chr2:111,968,261, plus strand): 5'-CTGGGTTCCTGGTTTTGATGGATACTCCCCGTTCAGGAATTGCAGCATTCAGGTAAAGTT[C>A]CAGGGTGAAGAGGGAAGTAGCTGTTTGGTGCTCTCTGTGGGTTTAAGGATTTTTCTTCCT-3'